The following is an entry in ClinVar:

NM_006186.4(NR4A2):c.1772T>G (p.Leu591Arg)

Gene: NR4A2 (nuclear receptor subfamily 4 group A member 2; minus strand). Cytogenetic location: 2q24.1.
Variant type: single nucleotide variant.
Coding change: c.1772T>G on transcript NM_006186.4 (MANE Select); coding-DNA position 1772, T replaced by G.
Protein change: p.Leu591Arg; replaces leucine 591 with arginine.
Molecular consequence: missense variant.
Genome position (GRCh38, 1-based): chr2:156,325,769, A>C on the plus strand (T>G on the coding strand, the complement: NR4A2 is on the minus strand). VCF-style: chr2-156325769-A-C. GRCh37 (hg19) VCF-style: chr2-157182281-A-C.
Other names: c.1583T>G, p.Leu528Arg (NM_173173.3); short protein forms L528R, L591R.
Identifiers: ClinVar variation 4845402 (VCV004845402.1).
Genomic context (GRCh38, chr2:156,325,769, plus strand): 5'-CATTCCAGTTCCTTTGAAGTGCTTGGGAGGAGGTCTTAGAAAGGTAAAGTGTCCAGGAAA[A>C]GTTTGTCAATTATTGCTGGCGGTGGCACCAAGTCTTCCAATTTCAGGTAGAAAATGCGCT-3'
Protein context (NP_006177.1, residues 581-598): LVPPPAIIDK[Leu591Arg]FLDTLPF

ClinVar aggregate classification (germline): Uncertain significance (1 of 4 stars; one submission).

Conditions:
Intellectual developmental disorder with language impairment and early-onset DOPA-responsive dystonia-parkinsonism (IDLDP). Identifiers: Orphanet 660017, MedGen C5677001, MONDO:0859257, OMIM 619911.

Submission:

Institute of Human Genetics, University of Leipzig Medical Center
Classification: Uncertain significance for Intellectual developmental disorder with language impairment and early-onset DOPA-responsive dystonia-parkinsonism. Last evaluated: 2026-03-26. Review status: criteria provided, single submitter. Criteria: ACMG Guidelines, 2015. Collection method: clinical testing. Allele origin: unknown. Inheritance: Autosomal dominant inheritance. Affected: yes.
Comment: Criteria applied: PM2,PP2,PP3